The following is an entry in ClinVar:

NM_003673.4(TCAP):c.254A>G (p.Tyr85Cys)

Gene: TCAP (titin-cap; plus strand). Cytogenetic location: 17q12.
Variant type: single nucleotide variant.
Coding change: c.254A>G on transcript NM_003673.4 (MANE Select); coding-DNA position 254, A replaced by G.
Protein change: p.Tyr85Cys; replaces tyrosine 85 with cysteine.
Molecular consequence: missense variant.
Genome position (GRCh38, 1-based): chr17:39,665,859, A>G. VCF-style: chr17-39665859-A-G. GRCh37 (hg19) VCF-style: chr17-37822112-A-G.
Other names: short protein forms Y85C.
Identifiers: ClinVar variation 3223538 (VCV003223538.1), dbSNP rs2543739348, ClinGen allele CA399304572.
Genomic context (GRCh38, chr17:39,665,859, plus strand): 5'-CCTGGCTGATGATGCGGATGGGCATCCTCGGCCGTGGGCTGCAGGAGTACCAGCTGCCCT[A>G]CCAGCGGGTACTGCCGCTGCCCATCTTCACCCCTGCCAAGATGGGCGCCACCAAGGAGGA-3'
Protein context (NP_003664.1, residues 75-95): GRGLQEYQLP[Tyr85Cys]QRVLPLPIFT

ClinVar aggregate classification (germline): Uncertain significance (1 of 4 stars; one submission).

Conditions:
Cardiovascular phenotype. Identifiers: MedGen CN230736.

Allele frequency attached by ClinVar (database versions not stated): gnomAD exomes 0.00001.

Submission:

Ambry Genetics
Classification: Uncertain significance for Cardiovascular phenotype. Last evaluated: 2023-11-21. Review status: criteria provided, single submitter. Criteria: Ambry Variant Classification Scheme 2023. Collection method: clinical testing. Allele origin: germline.
Comment: The p.Y85C variant (also known as c.254A>G), located in coding exon 2 of the TCAP gene, results from an A to G substitution at nucleotide position 254. The tyrosine at codon 85 is replaced by cysteine, an amino acid with highly dissimilar properties. This amino acid position is conserved. In addition, the in silico prediction for this alteration is inconclusive. Since supporting evidence is limited at this time, the clinical significance of this alteration remains unclear.